The following is an entry in ClinVar:

NM_152243.3(CDC42EP1):c.762G>C (p.Ala254=)

Gene: CDC42EP1 (CDC42 effector protein 1; plus strand). Cytogenetic location: 22q13.1.
Variant type: single nucleotide variant.
Coding change: c.762G>C on transcript NM_152243.3 (MANE Select); coding-DNA position 762, G replaced by C.
Protein change: p.Ala254=; no amino-acid change (alanine 254 retained).
Molecular consequence: synonymous variant.
Genome position (GRCh38, 1-based): chr22:37,568,406, G>C. VCF-style: chr22-37568406-G-C. GRCh37 (hg19) VCF-style: chr22-37964413-G-C.
Identifiers: ClinVar variation 3904867 (VCV003904867.10).

ClinVar aggregate classification (germline): Likely benign (1 of 4 stars; one submission).

Submission:

CeGaT Center for Human Genetics Tuebingen
Classification: Likely benign. Last evaluated: 2025-05-01. Review status: criteria provided, single submitter. Criteria: CeGaT Center For Human Genetics Tuebingen Variant Classification Criteria Version 2. Collection method: clinical testing. Allele origin: germline. Affected: yes. Observed: 1 variant allele.
Comment: CDC42EP1: BP4, BP7